The following is an entry in ClinVar:

ClinVar aggregate classification (germline): Pathogenic (1 of 4 stars; one submission).

Conditions:
Cerebral cavernous malformation 3. Also called: Familial Cerebral Cavernous Malformation 3. Identifiers: Orphanet 221061, MedGen C1864040, MONDO:0011305, OMIM 603285.

Submission:

Labcorp Genetics (formerly Invitae), Labcorp
Classification: Pathogenic for Cerebral cavernous malformations 3. Last evaluated: 2019-12-22. Review status: criteria provided, single submitter. Criteria: Invitae Variant Classification Sherloc (09022015). Collection method: clinical testing. Allele origin: germline.
Comment: This variant results in the deletion of part of exon 2 (c.-117+7110_21delinsACTAATAC) of the PDCD10 gene. This is expected to result in an absent or disrupted protein product. This variant has not been reported in the literature in individuals with PDCD10-related conditions. Loss-of-function variants in PDCD10 are known to be pathogenic (PMID: 15543491, 18300272, 23801932). For these reasons, this variant has been classified as Pathogenic.

NM_007217.4(PDCD10):c.-117+6518_20del

Gene: PDCD10 (programmed cell death 10; minus strand). Cytogenetic location: 3q26.1.
Variant type: Deletion.
Coding change: c.-117+6518_20del on transcript NM_007217.4 (MANE Select); 6518 bases into the intron after 117 bases upstream of the start codon through coding-DNA position 20, 7,559 bases deleted.
Molecular consequence: splice acceptor variant, initiator codon variant. On other transcripts: splice donor variant (1).
Genome position (GRCh38, 1-based): chr3:167,720,138-167,727,696, 7,559 bases deleted. GRCh37 (hg19): chr3:167,437,926-167,445,484.
Other names: c.-117+7110_20del (NM_145860.2); c.-189-2223_20del (NM_145859.2).
Identifiers: ClinVar variation 839267 (VCV000839267.2), ClinGen allele CA916084328.